The following is an entry in ClinVar:

ClinVar aggregate classification (germline): Likely benign. Review status: criteria provided, multiple submitters, no conflicts (2 of 4 stars). 3 submissions from 3 submitters: Likely benign (2). 1 of the submissions does not count toward it. Last evaluated 2024-11-21.

Conditions:
Familial thoracic aortic aneurysm and aortic dissection (TAAD). Also called: Thoracic aortic aneurysms and dissections. Identifiers: Orphanet 91387, MedGen C4707243, MONDO:0019625.
Congenital contractural arachnodactyly (CCA). Also called: BEALS SYNDROME; Arthrogryposis, distal, type 9; Beals-Hecht syndrome. Identifiers: Orphanet 115, MedGen C0220668, MONDO:0007363, OMIM 121050.
FBN2-related disorder. Also called: FBN2-related condition.

Allele frequency attached by ClinVar (database versions not stated): gnomAD exomes below 0.00001.
gnomAD v4.1: 1 of 1,614,152 alleles (0.000062%); highest among the groups gnomAD compares: Non-Finnish European, 0.000085%; no homozygotes.

Submissions (3):

Labcorp Genetics (formerly Invitae), Labcorp
Classification: Likely benign for Congenital contractural arachnodactyly. Last evaluated: 2024-11-21. Review status: criteria provided, single submitter. Criteria: Invitae Variant Classification Sherloc (09022015). Collection method: clinical testing. Allele origin: germline.

Ambry Genetics
Classification: Likely benign for Familial thoracic aortic aneurysm and aortic dissection. Last evaluated: 2023-11-09. Review status: criteria provided, single submitter. Criteria: Ambry Variant Classification Scheme 2023. Collection method: clinical testing. Allele origin: germline.

PreventionGenetics, part of Exact Sciences
Classification: Likely benign for FBN2-related condition. Last evaluated: 2021-11-01. Review status: no assertion criteria provided. Collection method: clinical testing. Allele origin: germline. Not counted in ClinVar's aggregate classification.
Comment: This variant is classified as likely benign based on ACMG/AMP sequence variant interpretation guidelines (Richards et al. 2015 PMID: 25741868, with internal and published modifications).

NM_001999.4(FBN2):c.8001T>A (p.Ala2667=)

Gene: FBN2 (fibrillin 2; minus strand). Cytogenetic location: 5q23.3.
Variant type: single nucleotide variant.
Coding change: c.8001T>A on transcript NM_001999.4 (MANE Select); coding-DNA position 8001, T replaced by A.
Protein change: p.Ala2667=; no amino-acid change (alanine 2667 retained).
Molecular consequence: synonymous variant.
Genome position (GRCh38, 1-based): chr5:128,263,616, A>T on the plus strand (T>A on the coding strand, the complement: FBN2 is on the minus strand). VCF-style: chr5-128263616-A-T. GRCh37 (hg19) VCF-style: chr5-127599308-A-T.
Other names: c.8001T>A (NM_001999.3).
Identifiers: ClinVar variation 2915040 (VCV002915040.6), dbSNP rs1214595960, ClinGen allele CA446306006.